The following is an entry in ClinVar:

NM_022356.4(P3H1):c.112C>T (p.Leu38Phe)

Gene: P3H1 (prolyl 3-hydroxylase 1; minus strand). Cytogenetic location: 1p34.2.
Variant type: single nucleotide variant.
Coding change: c.112C>T on transcript NM_022356.4 (MANE Select); coding-DNA position 112, C replaced by T.
Protein change: p.Leu38Phe; replaces leucine 38 with phenylalanine.
Molecular consequence: missense variant.
Genome position (GRCh38, 1-based): chr1:42,766,860, G>A on the plus strand (C>T on the coding strand, the complement: P3H1 is on the minus strand). VCF-style: chr1-42766860-G-A. GRCh37 (hg19) VCF-style: chr1-43232531-G-A.
Other names: c.112C>T, p.Leu38Phe (NM_001146289.2, NM_001243246.2); short protein forms L38F.
Identifiers: ClinVar variation 1393801 (VCV001393801.6), dbSNP rs2124176450, ClinGen allele CA339964102.

ClinVar aggregate classification (germline): Uncertain significance (1 of 4 stars; one submission).

Conditions:
Osteogenesis imperfecta type 8 (OI8). Identifiers: MedGen C1970458, MONDO:0012581, OMIM 610915.

Allele frequency attached by ClinVar (database versions not stated): gnomAD exomes below 0.00001.

Submission:

Labcorp Genetics (formerly Invitae), Labcorp
Classification: Uncertain significance for Osteogenesis imperfecta type 8. Last evaluated: 2026-02-02. Review status: criteria provided, single submitter. Criteria: Invitae Variant Classification Sherloc (09022015). Collection method: clinical testing. Allele origin: germline.
Comment: This sequence change replaces leucine, which is neutral and non-polar, with phenylalanine, which is neutral and non-polar, at codon 38 of the P3H1 protein (p.Leu38Phe). This variant is not present in population databases (gnomAD no frequency). This variant has not been reported in the literature in individuals affected with P3H1-related conditions. ClinVar contains an entry for this variant (Variation ID: 1393801). Invitae Evidence Modeling of protein sequence and biophysical properties (such as structural, functional, and spatial information, amino acid conservation, physicochemical variation, residue mobility, and thermodynamic stability) indicates that this missense variant is expected to disrupt P3H1 protein function with a positive predictive value of 80%. In summary, the available evidence is currently insufficient to determine the role of this variant in disease. Therefore, it has been classified as a Variant of Uncertain Significance.